The following is an entry in ClinVar:

NM_001349338.3(FOXP1):c.79C>T (p.Leu27=)

Gene: FOXP1 (forkhead box P1; minus strand). Cytogenetic location: 3p13.
Variant type: single nucleotide variant.
Coding change: c.79C>T on transcript NM_001349338.3 (MANE Select); coding-DNA position 79, C replaced by T.
Protein change: p.Leu27=; no amino-acid change (leucine 27 retained).
Molecular consequence: synonymous variant. On other transcripts: non-coding transcript variant (2).
Genome position (GRCh38, 1-based): chr3:71,198,303, G>A on the plus strand (C>T on the coding strand, the complement: FOXP1 is on the minus strand). VCF-style: chr3-71198303-G-A. GRCh37 (hg19) VCF-style: chr3-71247454-G-A.
Other names: c.79C>T, p.Leu27= (NM_001012505.2, NM_001244808.3, NM_001244810.2 and 6 more transcripts).
Identifiers: ClinVar variation 737302 (VCV000737302.10), dbSNP rs374005944, ClinGen allele CA2491467.

ClinVar aggregate classification (germline): Likely benign. Review status: criteria provided, single submitter (1 of 4 stars). 2 submissions from 2 submitters: Likely benign (1). 1 of the submissions does not count toward it. Last evaluated 2025-11-10.

Conditions:
FOXP1-related disorder. Also called: FOXP1-related condition.

Allele frequency attached by ClinVar (database versions not stated): gnomAD 0.00001 and 0.00002; gnomAD exomes 0.00002 and 0.00012; TOPMed 0.00008; ExAC 0.00009; 1000 Genomes Project 30x 0.00016; 1000 Genomes Project 0.00020.
gnomAD v4.1: 35 of 1,613,940 alleles (0.0022%); highest among the groups gnomAD compares: East Asian, 0.062%; no homozygotes.

Submissions (2):

Labcorp Genetics (formerly Invitae), Labcorp
Classification: Likely benign. Last evaluated: 2025-11-10. Review status: criteria provided, single submitter. Criteria: Invitae Variant Classification Sherloc (09022015). Collection method: clinical testing. Allele origin: germline.

PreventionGenetics, part of Exact Sciences
Classification: Likely benign for FOXP1-related condition. Last evaluated: 2022-07-26. Review status: no assertion criteria provided. Collection method: clinical testing. Allele origin: germline. Not counted in ClinVar's aggregate classification.
Comment: This variant is classified as likely benign based on ACMG/AMP sequence variant interpretation guidelines (Richards et al. 2015 PMID: 25741868, with internal and published modifications).